The following is an entry in ClinVar:

ClinVar aggregate classification (germline): Uncertain significance. Review status: criteria provided, multiple submitters, no conflicts (2 of 4 stars). 2 submissions from 2 submitters: Uncertain significance (2). Last evaluated 2024-05-21.

Conditions:
Inborn genetic diseases. Identifiers: MedGen C0950123, MeSH D030342.

Submissions (2):

Labcorp Genetics (formerly Invitae), Labcorp
Classification: Uncertain significance. Last evaluated: 2024-05-21. Review status: criteria provided, single submitter. Criteria: Invitae Variant Classification Sherloc (09022015). Collection method: clinical testing. Allele origin: germline.
Comment: This sequence change replaces isoleucine, which is neutral and non-polar, with valine, which is neutral and non-polar, at codon 863 of the ZSWIM6 protein (p.Ile863Val). This variant is not present in population databases (gnomAD no frequency). This variant has not been reported in the literature in individuals affected with ZSWIM6-related conditions. ClinVar contains an entry for this variant (Variation ID: 2090207). Advanced modeling of protein sequence and biophysical properties (such as structural, functional, and spatial information, amino acid conservation, physicochemical variation, residue mobility, and thermodynamic stability) performed at Invitae indicates that this missense variant is not expected to disrupt ZSWIM6 protein function with a negative predictive value of 80%. In summary, the available evidence is currently insufficient to determine the role of this variant in disease. Therefore, it has been classified as a Variant of Uncertain Significance.

Ambry Genetics
Classification: Uncertain significance for Inborn genetic diseases. Last evaluated: 2023-04-05. Review status: criteria provided, single submitter. Criteria: Ambry Variant Classification Scheme 2023. Collection method: clinical testing. Allele origin: germline.

NM_020928.2(ZSWIM6):c.2587A>G (p.Ile863Val)

Gene: ZSWIM6 (zinc finger SWIM-type containing 6; plus strand). Cytogenetic location: 5q12.1.
Variant type: single nucleotide variant.
Coding change: c.2587A>G on transcript NM_020928.2 (MANE Select); coding-DNA position 2587, A replaced by G.
Protein change: p.Ile863Val; replaces isoleucine 863 with valine.
Molecular consequence: missense variant.
Genome position (GRCh38, 1-based): chr5:61,539,643, A>G. VCF-style: chr5-61539643-A-G. GRCh37 (hg19) VCF-style: chr5-60835470-A-G.
Other names: c.2587A>G (NM_020928.1); short protein forms I863V.
Identifiers: ClinVar variation 2090207 (VCV002090207.6), dbSNP rs2478393800, ClinGen allele CA359945688.